The following is an entry in ClinVar:

ClinVar aggregate classification (germline): Conflicting classifications of pathogenicity. Review status: criteria provided, conflicting classifications (1 of 4 stars). 10 submissions from 10 submitters: Uncertain significance (1); Benign (5); Likely benign (4). Last evaluated 2026-01-11.

Conditions:
CACNA1A-related disorder. Also called: CACNA1A-related condition.
Inborn genetic diseases. Identifiers: MedGen C0950123, MeSH D030342.
Episodic ataxia type 2 (EA2). Also called: ATAXIA, EPISODIC, WITH NYSTAGMUS; ATAXIA, FAMILIAL PAROXYSMAL; CEREBELLAR ATAXIA, PAROXYSMAL, ACETAZOLAMIDE-RESPONSIVE; CEREBELLOPATHY, HEREDITARY PAROXYSMAL; ACETAZOLAMIDE-RESPONSIVE HEREDITARY PAROXYSMAL CEREBELLAR ATAXIA; EPISODIC ATAXIA, NYSTAGMUS-ASSOCIATED. Identifiers: Orphanet 97, MedGen C1720416, MONDO:0007163, OMIM 108500.
Developmental and epileptic encephalopathy, 42 (DEE42A). Also called: DEVELOPMENTAL AND EPILEPTIC ENCEPHALOPATHY 42A; EPILEPTIC ENCEPHALOPATHY, EARLY INFANTILE, 42A; Epileptic encephalopathy, early infantile, 42. Identifiers: MedGen C4310716, MONDO:0014917, OMIM 617106.

Allele frequency attached by ClinVar (database versions not stated): gnomAD 0.00039 and 0.00041; TOPMed 0.00044; gnomAD exomes 0.00059 and 0.00026; ESP Exome Variant Server 0.00031; ExAC 0.00036.
gnomAD v4.1: 466 of 1,612,096 alleles (0.029%); highest among the groups gnomAD compares: Admixed American, 0.018%; no homozygotes.

Submissions (10):

Labcorp Genetics (formerly Invitae), Labcorp
Classification: Benign for Developmental and epileptic encephalopathy, 42; Episodic ataxia type 2. Last evaluated: 2026-01-11. Review status: criteria provided, single submitter. Criteria: Invitae Variant Classification Sherloc (09022015). Collection method: clinical testing. Allele origin: germline.

PreventionGenetics, part of Exact Sciences
Classification: Likely benign for CACNA1A-related condition. Last evaluated: 2025-11-21. Review status: criteria provided, single submitter. Criteria: ACMG Guidelines, 2015. Collection method: clinical testing. Allele origin: germline.
Comment: This variant is classified as likely benign based on ACMG/AMP sequence variant interpretation guidelines (Richards et al. 2015 PMID: 25741868, with internal and published modifications).

CeGaT Center for Human Genetics Tuebingen
Classification: Likely benign. Last evaluated: 2025-11-01. Review status: criteria provided, single submitter. Criteria: CeGaT Center For Human Genetics Tuebingen Variant Classification Criteria Version 2. Collection method: clinical testing. Allele origin: germline. Affected: yes. Observed: 1 variant allele.
Comment: CACNA1A: BS1

Blueprint Genetics
Classification: Likely benign. Last evaluated: 2024-10-23. Review status: criteria provided, single submitter. Criteria: ACMG Guidelines, 2015. Collection method: clinical testing. Allele origin: germline.

Mendelics
Classification: Benign for Episodic ataxia type 2. Last evaluated: 2023-08-22. Review status: criteria provided, single submitter. Criteria: Mendelics Assertion Criteria 2019. Collection method: clinical testing. Allele origin: germline.

Athena Diagnostics
Classification: Benign. Last evaluated: 2019-06-17. Review status: criteria provided, single submitter. Criteria: Athena Diagnostics Criteria. Collection method: clinical testing. Allele origin: germline.

GeneDx
Classification: Benign. Last evaluated: 2019-06-03. Review status: criteria provided, single submitter. Criteria: GeneDx Variant Classification Process June 2021. Collection method: clinical testing. Allele origin: germline. Affected: yes.
Comment: This variant is associated with the following publications: (PMID: 23869231, 21703448, 28488083)

Eurofins Ntd Llc (ga)
Classification: Benign. Last evaluated: 2017-05-23. Review status: criteria provided, single submitter. Criteria: EGL Classification Definitions 2015. Collection method: clinical testing. Allele origin: germline. Observed: 1 variant allele, 1 heterozygote.

Ambry Genetics
Classification: Likely benign for Inborn genetic diseases. Last evaluated: 2017-03-21. Review status: criteria provided, single submitter. Criteria: Ambry Variant Classification Scheme 2023. Collection method: clinical testing. Allele origin: germline.

Laboratory for Molecular Medicine, Mass General Brigham Personalized Medicine
Classification: Uncertain significance. Last evaluated: 2016-10-31. Review status: criteria provided, single submitter. Criteria: LMM Criteria. Collection method: clinical testing. Allele origin: germline.
Comment: Variant identified in a genome or exome case(s) and assessed due to predicted null impact of the variant or pathogenic assertions in the literature or databases. Disclaimer: This variant has not undergone full assessment. The following are preliminary notes: This variant is present in ExAC with a MaxMAF of 0.06%. It is predicted to be pathogenic by predictive tools. It is not present in ClinVar. It has been seen in 1 patient with congenital hyperinsulinism and 1 with epilepsy.

Literature cited by the submitters: PubMed 21703448 (cited by Ambry Genetics); PubMed 23869231 (cited by Ambry Genetics).

NM_001127222.2(CACNA1A):c.5897G>A (p.Arg1966Gln)

Gene: CACNA1A (calcium voltage-gated channel subunit alpha1 A; minus strand). Cytogenetic location: 19p13.13.
Variant type: single nucleotide variant.
Coding change: c.5897G>A on transcript NM_001127222.2 (MANE Select); coding-DNA position 5897, G replaced by A.
Protein change: p.Arg1966Gln; replaces arginine 1966 with glutamine.
Molecular consequence: missense variant.
Genome position (GRCh38, 1-based): chr19:13,214,276, C>T on the plus strand (G>A on the coding strand, the complement: CACNA1A is on the minus strand). VCF-style: chr19-13214276-C-T. GRCh37 (hg19) VCF-style: chr19-13325090-C-T.
Other names: c.5915G>A, p.Arg1972Gln (NM_000068.4, NM_023035.3); c.5900G>A, p.Arg1967Gln (NM_001127221.2); c.5906G>A, p.Arg1969Gln (NM_001174080.2); c.5897G>A (NM_001127222.1); short protein forms R1967Q, R1972Q, R1969Q, R1966Q.
Identifiers: ClinVar variation 381583 (VCV000381583.37), dbSNP rs199886234, ClinGen allele CA9239549.
Genomic context (GRCh38, chr19:13,214,276, plus strand): 5'-AGCGGCGAACAGCGCACCTGCTCCTCGCGCATGGCCTGCAGCTTCTTGGCCTTGCTCTGC[C>T]GGTAGTACTCCATGATCATCATGGCTGCGTAGATCTTCCCCACGGTGAGGTCCGTGGCTG-3'
Protein context (NP_001120694.1, residues 1956-1976): YAAMMIMEYY[Arg1966Gln]QSKAKKLQAM